The following is an entry in ClinVar:

NM_020884.7(MYH7B):c.3887G>A (p.Arg1296His)

Gene: MYH7B (myosin heavy chain 7B; plus strand). Cytogenetic location: 20q11.22.
Variant type: single nucleotide variant.
Coding change: c.3887G>A on transcript NM_020884.7 (MANE Select); coding-DNA position 3887, G replaced by A.
Protein change: p.Arg1296His; replaces arginine 1296 with histidine.
Molecular consequence: missense variant.
Genome position (GRCh38, 1-based): chr20:34,998,523, G>A. VCF-style: chr20-34998523-G-A. GRCh37 (hg19) VCF-style: chr20-33586326-G-A.
Other names: short protein forms R1296H.
Identifiers: ClinVar variation 2910463 (VCV002910463.3), dbSNP rs767602083, ClinGen allele CA9827914.

ClinVar aggregate classification (germline): Uncertain significance (1 of 4 stars; one submission).

Allele frequency attached by ClinVar (database versions not stated): TOPMed 0.00001; ExAC 0.00002; gnomAD 0.00002.
gnomAD v4.1: 60 of 1,613,448 alleles (0.0037%); highest among the groups gnomAD compares: Admixed American, 0.005%; no homozygotes.

Submission:

Labcorp Genetics (formerly Invitae), Labcorp
Classification: Uncertain significance. Last evaluated: 2024-01-25. Review status: criteria provided, single submitter. Criteria: Invitae Variant Classification Sherloc (09022015). Collection method: clinical testing. Allele origin: germline.
Comment: This sequence change replaces arginine, which is basic and polar, with histidine, which is basic and polar, at codon 1338 of the MYH7B protein (p.Arg1338His). This variant is present in population databases (rs767602083, gnomAD 0.005%). This missense change has been observed in individual(s) with congenital heart disease (PMID: 28991257). Advanced modeling of protein sequence and biophysical properties (such as structural, functional, and spatial information, amino acid conservation, physicochemical variation, residue mobility, and thermodynamic stability) performed at Invitae indicates that this missense variant is not expected to disrupt MYH7B protein function with a negative predictive value of 80%. In summary, the available evidence is currently insufficient to determine the role of this variant in disease. Therefore, it has been classified as a Variant of Uncertain Significance.

Literature cited by the submitters: PubMed 28991257.